The following is an entry in ClinVar:

ClinVar aggregate classification (germline): Uncertain significance (1 of 4 stars; one submission).

Submission:

GeneDx
Classification: Uncertain significance. Last evaluated: 2022-01-05. Review status: criteria provided, single submitter. Criteria: GeneDx Variant Classification Process June 2021. Collection method: clinical testing. Allele origin: germline. Affected: yes.
Comment: Has not been previously published as pathogenic or benign to our knowledge; Not observed at significant frequency in large population cohorts (gnomAD); In silico analysis supports that this missense variant has a deleterious effect on protein structure/function

NM_000393.5(COL5A2):c.2381A>T (p.Asp794Val)

Gene: COL5A2 (collagen type V alpha 2 chain; minus strand). Cytogenetic location: 2q32.2.
Variant type: single nucleotide variant.
Coding change: c.2381A>T on transcript NM_000393.5 (MANE Select); coding-DNA position 2381, A replaced by T.
Protein change: p.Asp794Val; replaces aspartic acid 794 with valine.
Molecular consequence: missense variant.
Genome position (GRCh38, 1-based): chr2:189,056,983, T>A on the plus strand (A>T on the coding strand, the complement: COL5A2 is on the minus strand). VCF-style: chr2-189056983-T-A. GRCh37 (hg19) VCF-style: chr2-189921709-T-A.
Other names: short protein forms D794V.
Identifiers: ClinVar variation 1695794 (VCV001695794.2), dbSNP rs2105574022, ClinGen allele CA349873483.
Genomic context (GRCh38, chr2:189,056,983, plus strand): 5'-ACTGTAATGTTGGTTCCTAGCCCAGCTAGAAAAGGAATACTTTCACTTACTCTTGCACCA[T>A]CATTTCCAGCTGTGCCTTCAGCACCTTTTTCTCCTATGCCACCCTGGGAAAACACACAAA-3'
Protein context (NP_000384.2, residues 784-804): EKGAEGTAGN[Asp794Val]GARGLPGPLG